The following is an entry in ClinVar:

ClinVar aggregate classification (germline): Uncertain significance (1 of 4 stars; one submission).

gnomAD v4.1: 1 of 1,613,410 alleles (0.000062%); highest among the groups gnomAD compares: East Asian, 0.0022%; no homozygotes.

Submission:

Ambry Genetics
Classification: Uncertain significance. Last evaluated: 2024-08-19. Review status: criteria provided, single submitter. Criteria: Ambry Variant Classification Scheme 2023. Collection method: clinical testing. Allele origin: germline.
Comment: The p.T351S variant (also known as c.1051A>T), located in coding exon 6 of the MYLK2 gene, results from an A to T substitution at nucleotide position 1051. The threonine at codon 351 is replaced by serine, an amino acid with similar properties. This amino acid position is conserved. In addition, this alteration is predicted to be tolerated by in silico analysis. Based on the available evidence, the clinical significance of this variant remains unclear.

NM_033118.4(MYLK2):c.1051A>T (p.Thr351Ser)

Gene: MYLK2 (myosin light chain kinase 2; plus strand). Cytogenetic location: 20q11.21.
Variant type: single nucleotide variant.
Coding change: c.1051A>T on transcript NM_033118.4 (MANE Select); coding-DNA position 1051, A replaced by T.
Protein change: p.Thr351Ser; replaces threonine 351 with serine.
Molecular consequence: missense variant.
Genome position (GRCh38, 1-based): chr20:31,826,683, A>T. VCF-style: chr20-31826683-A-T. GRCh37 (hg19) VCF-style: chr20-30414486-A-T.
Other names: short protein forms T351S.
Identifiers: ClinVar variation 3401151 (VCV003401151.1).